The following is an entry in ClinVar:

ClinVar aggregate classification (germline): Likely pathogenic (1 of 4 stars; one submission).

Submission:

Labcorp Genetics (formerly Invitae), Labcorp
Classification: Likely pathogenic. Last evaluated: 2022-10-07. Review status: criteria provided, single submitter. Criteria: Invitae Variant Classification Sherloc (09022015). Collection method: clinical testing. Allele origin: germline.
Comment: Algorithms developed to predict the effect of sequence changes on RNA splicing suggest that this variant may disrupt the consensus splice site. This sequence change affects a donor splice site in intron 2 of the POLG2 gene. It is expected to disrupt RNA splicing. Variants that disrupt the donor or acceptor splice site typically lead to a loss of protein function (PMID: 16199547), and loss-of-function variants in POLG2 are known to be pathogenic (PMID: 28078310, 29625556). This variant is not present in population databases (gnomAD no frequency). This variant has not been reported in the literature in individuals affected with POLG2-related conditions. In summary, the currently available evidence indicates that the variant is pathogenic, but additional data are needed to prove that conclusively. Therefore, this variant has been classified as Likely Pathogenic.

Literature cited by the submitters: PubMed 16199547; PubMed 28078310; PubMed 29625556.

NM_007215.4(POLG2):c.689+2T>C

Genes: POLG2 (DNA polymerase gamma 2, accessory subunit; minus strand), MILR1 (mast cell immunoglobulin like receptor 1; plus strand). Cytogenetic location: 17q23.3.
Variant type: single nucleotide variant.
Coding change: c.689+2T>C on transcript NM_007215.4 (MANE Select); the canonical splice donor site of the intron after coding-DNA position 689, T replaced by C.
Molecular consequence: splice donor variant.
Genome position (GRCh38, 1-based): chr17:64,492,893, A>G on the plus strand (T>C on the coding strand, the complement: POLG2 is on the minus strand). VCF-style: chr17-64492893-A-G. GRCh37 (hg19) VCF-style: chr17-62489010-A-G.
Identifiers: ClinVar variation 2034399 (VCV002034399.4), dbSNP rs2509551898, ClinGen allele CA400639323.